The following is an entry in ClinVar:

NM_000054.7(AVPR2):c.371A>C (p.Tyr124Ser)

Gene: AVPR2 (arginine vasopressin receptor 2; plus strand). Cytogenetic location: Xq28.
Variant type: single nucleotide variant.
Coding change: c.371A>C on transcript NM_000054.7 (MANE Select); coding-DNA position 371, A replaced by C.
Protein change: p.Tyr124Ser; replaces tyrosine 124 with serine.
Molecular consequence: missense variant.
Genome position (GRCh38, 1-based): chrX:153,905,877, A>C. VCF-style: chrX-153905877-A-C. GRCh37 (hg19) VCF-style: chrX-153171331-A-C.
Other names: c.371A>C, p.Tyr124Ser (NM_001146151.3); short protein forms Y124S.
Identifiers: ClinVar variation 3355307 (VCV003355307.1).

ClinVar aggregate classification (germline): Uncertain significance (0 of 4 stars; one submission).

Conditions:
AVPR2-related disorder. Also called: AVPR2-related condition.

Submission:

PreventionGenetics, part of Exact Sciences
Classification: Uncertain significance for AVPR2-related condition. Last evaluated: 2024-09-18. Review status: no assertion criteria provided. Collection method: clinical testing. Allele origin: germline.
Comment: The AVPR2 c.371A>C variant is predicted to result in the amino acid substitution p.Tyr124Ser. To our knowledge, this variant has not been reported in the literature or in a large population database, indicating this variant is rare. A different missense variant affecting the same amino acid (p.Tyr124Cys) has been reported in a patient with partial nephrogenic diabetes insipidus (Ishida et al. 2022. PubMed ID: 35002068). Although we suspect this variant may be pathogenic, at this time, the clinical significance of this variant is uncertain due to the absence of conclusive functional and genetic evidence.